The following is an entry in ClinVar:

ClinVar aggregate classification (germline): Conflicting classifications of pathogenicity. Review status: criteria provided, conflicting classifications (1 of 4 stars). 9 submissions from 9 submitters: Uncertain significance (8); Likely benign (1). Last evaluated 2026-03-20.

Conditions:
PALB2-related disorder. Also called: PALB2-related disorders; PALB2-related condition.
Hereditary cancer-predisposing syndrome. Also called: Neoplastic Syndromes, Hereditary; Tumor predisposition; Hereditary Cancer Syndrome; Hereditary neoplastic syndrome. Identifiers: Orphanet 140162, MedGen C0027672, MeSH D009386, MONDO:0015356.
Familial cancer of breast. Also called: hereditary breast carcinoma; Hereditary breast cancer; BREAST CANCER, FAMILIAL. Identifiers: Orphanet 227535, MedGen C0346153, MONDO:0016419, OMIM 114480. Disease mechanism: loss of function.

Allele frequency attached by ClinVar (database versions not stated): gnomAD below 0.00001 and 0.00002; TOPMed below 0.00001; gnomAD exomes 0.00001 and 0.00004; ExAC 0.00006; 1000 Genomes Project 0.00040; 1000 Genomes Project 30x 0.00062.
gnomAD v4.1: 23 of 1,614,140 alleles (0.0014%); highest among the groups gnomAD compares: South Asian, 0.022%; no homozygotes.

Submissions (9):

Women's Health and Genetics/Laboratory Corporation of America, LabCorp
Classification: Uncertain significance. Last evaluated: 2026-03-20. Review status: criteria provided, single submitter. Criteria: LabCorp Variant Classification Summary - May 2015. Collection method: clinical testing. Allele origin: germline.
Comment: Variant summary: PALB2 c.2230G>A (p.Glu744Lys) results in a conservative amino acid change in the encoded protein sequence. Algorithms developed to predict the effect of missense changes on protein structure and function all suggest that this variant is likely to be tolerated. The variant allele was found at a frequency of 3.6e-05 in 252238 control chromosomes (gnomAD). The available data on variant occurrences in the general population are insufficient to allow any conclusion about variant significance. c.2230G>A has been reported in the literature in individuals affected with Breast Cancer (Rashid_2019), however, this report does not provide unequivocal conclusions about association of the variant with Breast Cancer. To our knowledge, no experimental evidence demonstrating an impact on protein function has been reported. The following publications have been ascertained in the context of this evaluation (PMID: 33471991, 39402389, 30309218). ClinVar contains an entry for this variant (Variation ID: 128129). Based on the evidence outlined above, the variant was classified as uncertain significance.

Labcorp Genetics (formerly Invitae), Labcorp
Classification: Uncertain significance for Familial cancer of breast. Last evaluated: 2025-10-06. Review status: criteria provided, single submitter. Criteria: Invitae Variant Classification Sherloc (09022015). Collection method: clinical testing. Allele origin: germline.
Comment: This sequence change replaces glutamic acid, which is acidic and polar, with lysine, which is basic and polar, at codon 744 of the PALB2 protein (p.Glu744Lys). This variant is present in population databases (rs62625278, gnomAD 0.03%). This missense change has been observed in individual(s) with breast cancer (PMID: 30309218). ClinVar contains an entry for this variant (Variation ID: 128129). Invitae Evidence Modeling of protein sequence and biophysical properties (such as structural, functional, and spatial information, amino acid conservation, physicochemical variation, residue mobility, and thermodynamic stability) has been performed for this missense variant. However, the output from this modeling did not meet the statistical confidence thresholds required to predict the impact of this variant on PALB2 protein function. In summary, the available evidence is currently insufficient to determine the role of this variant in disease. Therefore, it has been classified as a Variant of Uncertain Significance.

PreventionGenetics, part of Exact Sciences
Classification: Uncertain significance for PALB2-related condition. Last evaluated: 2025-03-04. Review status: criteria provided, single submitter. Criteria: ACMG Guidelines, 2015. Collection method: clinical testing. Allele origin: germline.
Comment: The PALB2 c.2230G>A variant is predicted to result in the amino acid substitution p.Glu744Lys. This variant was reported in an individual with early-onset breast cancer (Rashid et al. 2018. PubMed ID: 30309218). This variant is reported in 0.029% of alleles in individuals of South Asian descent in gnomAD and has conflicting interpretations regarding its pathogenicity in ClinVar, ranging from likely benign to uncertain. At this time, the clinical significance of this variant is uncertain due to the absence of conclusive functional and genetic evidence.

Baylor Genetics
Classification: Uncertain significance for Familial cancer of breast. Last evaluated: 2024-01-22. Review status: criteria provided, single submitter. Criteria: ACMG Guidelines, 2015. Collection method: clinical testing. Allele origin: unknown.

Color Diagnostics, LLC DBA Color Health
Classification: Uncertain significance for Hereditary cancer-predisposing syndrome. Last evaluated: 2023-10-18. Review status: criteria provided, single submitter. Criteria: ACMG Guidelines, 2015. Collection method: clinical testing. Allele origin: germline.
Comment: This missense variant replaces glutamic acid with lysine at codon 744 of the PALB2 protein. Computational prediction suggests that this variant may not impact protein structure and function (internally defined REVEL score threshold <= 0.5, PMID: 27666373). To our knowledge, functional studies have not been reported for this variant. This variant has been reported in an individual affected with breast cancer and in a breast cancer case-control meta-analysis in 0/60466 cases and 2/53461 unaffected individuals (PMID: 33471991; Leiden Open Variation Database DB-ID PALB2_010920). This variant has been identified in 9/251494 chromosomes in the general population by the Genome Aggregation Database (gnomAD). The available evidence is insufficient to determine the role of this variant in disease conclusively. Therefore, this variant is classified as a Variant of Uncertain Significance.

Quest Diagnostics Nichols Institute San Juan Capistrano
Classification: Uncertain significance. Last evaluated: 2020-07-22. Review status: criteria provided, single submitter. Criteria: Quest Diagnostics criteria. Collection method: clinical testing. Allele origin: unknown.

GeneDx
Classification: Uncertain significance. Last evaluated: 2019-09-10. Review status: criteria provided, single submitter. Criteria: GeneDx Variant Classification Process June 2021. Collection method: clinical testing. Allele origin: germline. Affected: yes.
Comment: Not observed at a significant frequency in large population cohorts (Lek 2016); In silico analysis, which includes protein predictors and evolutionary conservation, supports that this variant does not alter protein structure/function; Observed in individuals with breast or ovarian cancer (Rashid 2018); This variant is associated with the following publications: (PMID: 30309218)

Ambry Genetics
Classification: Likely benign for Hereditary cancer-predisposing syndrome. Last evaluated: 2018-01-31. Review status: criteria provided, single submitter. Criteria: Ambry Variant Classification Scheme 2023. Collection method: clinical testing. Allele origin: germline.

Neuberg Centre For Genomic Medicine, NCGM
Classification: Uncertain significance for Familial cancer of breast. Review status: criteria provided, single submitter. Criteria: ACMG Guidelines, 2015. Collection method: clinical testing. Allele origin: germline. Inheritance: Autosomal dominant inheritance. Affected: yes.
Comment: The c.2230G>A (p.Glu744Lys) missense variant in PALB2 gene has been submitted to ClinVar as a Variant of Uncertain Significance/Likely benign. This variant is reported with the allele frequency (0.003%) in the gnomAD and novel in 1000 genome database. The amino acid Glu at position 744 is changed to a Lys changing protein sequence and it might alter its composition and physico-chemical properties. The amino acid change p.Glu744Lys in PALB2 is predicted as conserved by GERP++ and PhyloP across 100 vertebrates. For these reasons, this variant has been classified as Variant of Uncertain Significance (VUS).

Literature cited by the submitters: PubMed 33471991 (cited by Women's Health and Genetics/Laboratory Corporation of America, LabCorp and Color Diagnostics, LLC DBA Color Health); PubMed 30309218 (cited by 3 submitters); PubMed 39402389 (cited by Women's Health and Genetics/Laboratory Corporation of America, LabCorp).

NM_024675.4(PALB2):c.2230G>A (p.Glu744Lys)

Gene: PALB2 (partner and localizer of BRCA2; minus strand). Cytogenetic location: 16p12.2.
Variant type: single nucleotide variant.
Coding change: c.2230G>A on transcript NM_024675.4 (MANE Select); coding-DNA position 2230, G replaced by A.
Protein change: p.Glu744Lys; replaces glutamic acid 744 with lysine.
Molecular consequence: missense variant.
Genome position (GRCh38, 1-based): chr16:23,629,924, C>T on the plus strand (G>A on the coding strand, the complement: PALB2 is on the minus strand). VCF-style: chr16-23629924-C-T. GRCh37 (hg19) VCF-style: chr16-23641245-C-T.
Other names: p.E744K:GAA>AAA; short protein forms E744K.
Identifiers: ClinVar variation 128129 (VCV000128129.29), dbSNP rs62625278, ClinGen allele CA288438.
Genomic context (GRCh38, chr16:23,629,924, plus strand): 5'-TCAAATGAGCAAGTTGGGGTGTGCAGCAAGTTCGTCCAGCAACTTCTGTAGATGCTTTTT[C>T]ATAGGAGCCTTGAGGGCCAAAGGCTGGAGTAGTACCTAAGATGGGGAAAGCAGGTGAACA-3'
Protein context (NP_078951.2, residues 734-754): TPAFGPQGSY[Glu744Lys]KASTEVAGRT